The following is an entry in ClinVar:

ClinVar aggregate classification (germline): Uncertain significance. Review status: criteria provided, single submitter (1 of 4 stars). 2 submissions from 2 submitters: Uncertain significance (1). 1 of the submissions does not count toward it. Last evaluated 2024-09-14.

Conditions:
Congenital primary aphakia. Also called: ANTERIOR SEGMENT DYSGENESIS 2; Anterior segment dysgenesis 2, multiple subtypes. Identifiers: Orphanet 83461, MedGen C1853230, MONDO:0012456, OMIM 610256.
Anterior segment dysgenesis. Also called: Ocular anterior segment dysgenesis. Identifiers: Orphanet 88632, MedGen C1862839, MONDO:0019503, HP:0007700.
Cataract 34 multiple types. Also called: CATARACT 34, MULTIPLE TYPES, WITH OR WITHOUT MICROCORNEA. Identifiers: Orphanet 91492, MedGen C2751822, MONDO:0013067, OMIM 612968.

Allele frequency attached by ClinVar (database versions not stated): TOPMed below 0.00001.

Submissions (2):

Labcorp Genetics (formerly Invitae), Labcorp
Classification: Uncertain significance for Anterior segment dysgenesis; Congenital primary aphakia. Last evaluated: 2024-09-14. Review status: criteria provided, single submitter. Criteria: Invitae Variant Classification Sherloc (09022015). Collection method: clinical testing. Allele origin: germline.
Comment: This sequence change replaces asparagine, which is neutral and polar, with lysine, which is basic and polar, at codon 117 of the FOXE3 protein (p.Asn117Lys). This variant is not present in population databases (gnomAD no frequency). This missense change has been observed in individual(s) with bilateral congenital cataracts (PMID: 27218149). ClinVar contains an entry for this variant (Variation ID: 372169). Invitae Evidence Modeling of protein sequence and biophysical properties (such as structural, functional, and spatial information, amino acid conservation, physicochemical variation, residue mobility, and thermodynamic stability) indicates that this missense variant is expected to disrupt FOXE3 protein function with a positive predictive value of 95%. In summary, the available evidence is currently insufficient to determine the role of this variant in disease. Therefore, it has been classified as a Variant of Uncertain Significance.

OMIM
Classification: Pathogenic for CATARACT 34, MEMBRANOUS. Last evaluated: 2018-01-06. Review status: no assertion criteria provided. Collection method: literature only. Allele origin: germline. Not counted in ClinVar's aggregate classification.

Literature cited by the submitters: PubMed 27218149 (cited by Labcorp Genetics (formerly Invitae), Labcorp and OMIM); PubMed 17893665 (cited by OMIM).

NM_012186.3(FOXE3):c.351C>G (p.Asn117Lys)

Genes: LINC01389 (long independently transcribed non-coding RNA 1389; minus strand), FOXE3 (forkhead box E3; plus strand). Cytogenetic location: 1p33.
Variant type: single nucleotide variant.
Coding change: c.351C>G on transcript NM_012186.3 (MANE Select); coding-DNA position 351, C replaced by G.
Protein change: p.Asn117Lys; replaces asparagine 117 with lysine.
Molecular consequence: missense variant.
Genome position (GRCh38, 1-based): chr1:47,416,666, C>G. VCF-style: chr1-47416666-C-G. GRCh37 (hg19) VCF-style: chr1-47882338-C-G.
Other names: short protein forms N117K.
Identifiers: ClinVar variation 372169 (VCV000372169.12), dbSNP rs1057518737, ClinGen allele CA16042227.
Genomic context (GRCh38, chr1:47,416,666, plus strand): 5'-CTACCGCTTCATCACCGAACGCTTTGCCTTCTACCGCGACAGCCCGCGCAAGTGGCAGAA[C>G]AGCATCCGCCACAATCTCACGCTCAACGACTGCTTCGTCAAGGTGCCCCGCGAGCCGGGC-3'
Protein context (NP_036318.1, residues 107-127): FYRDSPRKWQ[Asn117Lys]SIRHNLTLND